The following is an entry in ClinVar:

ClinVar aggregate classification (germline): Uncertain significance (1 of 4 stars; one submission).

Submission:

GeneDx
Classification: Uncertain significance. Last evaluated: 2026-03-01. Review status: criteria provided, single submitter. Criteria: GeneDx Variant Classification Process June 2021. Collection method: clinical testing. Allele origin: germline.
Comment: Not observed at significant frequency in large population cohorts (gnomAD); In silico analysis supports that this missense variant has a deleterious effect on protein structure/function; Has not been previously published as pathogenic or benign to our knowledge

NM_006060.6(IKZF1):c.985C>T (p.Pro329Ser)

Gene: IKZF1 (IKAROS family zinc finger 1; plus strand). Cytogenetic location: 7p12.2.
Variant type: single nucleotide variant.
Coding change: c.985C>T on transcript NM_006060.6 (MANE Select); coding-DNA position 985, C replaced by T.
Protein change: p.Pro329Ser; replaces proline 329 with serine.
Molecular consequence: missense variant.
Genome position (GRCh38, 1-based): chr7:50,400,052, C>T. VCF-style: chr7-50400052-C-T. GRCh37 (hg19) VCF-style: chr7-50467750-C-T.
Other names: c.859C>T, p.Pro287Ser (NM_001220765.3, NM_001291837.2); c.694C>T, p.Pro232Ser (NM_001220767.2); c.724C>T, p.Pro242Ser (NM_001220768.2, NM_001291838.2); c.568C>T, p.Pro190Ser (NM_001220770.2); c.556C>T, p.Pro186Ser (NM_001220771.2, NM_001291841.1); c.598C>T, p.Pro200Ser (NM_001291839.2); c.295C>T, p.Pro99Ser (NM_001291840.1); c.526C>T, p.Pro176Ser (NM_001291842.1); and 3 more; short protein forms P176S, P190S, P329S, P232S, P186S, P200S, P242S, P349S.
Identifiers: ClinVar variation 5008340 (VCV005008340.1).